The following is an entry in ClinVar:

ClinVar aggregate classification (germline): Uncertain significance. Review status: criteria provided, multiple submitters, no conflicts (2 of 4 stars). 2 submissions from 2 submitters: Uncertain significance (2). Last evaluated 2025-08-14.

Conditions:
Inborn genetic diseases. Identifiers: MedGen C0950123, MeSH D030342.
Cornelia de Lange syndrome 4 (CDLS4). Also called: RAD21-Related Cornelia de Lange Syndrome; CORNELIA DE LANGE SYNDROME 4 WITH OR WITHOUT MIDLINE BRAIN DEFECTS. Identifiers: Orphanet 199, MedGen C3553517, MONDO:0013864, OMIM 614701.

gnomAD v4.1: 5 of 1,612,686 alleles (0.00031%); highest among the groups gnomAD compares: Non-Finnish European, 0.00034%; no homozygotes.

Submissions (2):

Ambry Genetics
Classification: Uncertain significance for Inborn genetic diseases. Last evaluated: 2025-08-14. Review status: criteria provided, single submitter. Criteria: Ambry Variant Classification Scheme 2023. Collection method: clinical testing. Allele origin: germline.

Labcorp Genetics (formerly Invitae), Labcorp
Classification: Uncertain significance for Cornelia de Lange syndrome 4. Last evaluated: 2024-03-09. Review status: criteria provided, single submitter. Criteria: Invitae Variant Classification Sherloc (09022015). Collection method: clinical testing. Allele origin: germline.
Comment: This sequence change replaces lysine, which is basic and polar, with glutamic acid, which is acidic and polar, at codon 573 of the RAD21 protein (p.Lys573Glu). This variant is present in population databases (rs752023237, gnomAD 0.0009%). This variant has not been reported in the literature in individuals affected with RAD21-related conditions. Advanced modeling of protein sequence and biophysical properties (such as structural, functional, and spatial information, amino acid conservation, physicochemical variation, residue mobility, and thermodynamic stability) performed at Invitae indicates that this missense variant is not expected to disrupt RAD21 protein function with a negative predictive value of 80%. In summary, the available evidence is currently insufficient to determine the role of this variant in disease. Therefore, it has been classified as a Variant of Uncertain Significance.

NM_006265.3(RAD21):c.1717A>G (p.Lys573Glu)

Gene: RAD21 (RAD21 cohesin complex component; minus strand). Cytogenetic location: 8q24.11.
Variant type: single nucleotide variant.
Coding change: c.1717A>G on transcript NM_006265.3 (MANE Select); coding-DNA position 1717, A replaced by G.
Protein change: p.Lys573Glu; replaces lysine 573 with glutamic acid.
Molecular consequence: missense variant.
Genome position (GRCh38, 1-based): chr8:116,847,679, T>C on the plus strand (A>G on the coding strand, the complement: RAD21 is on the minus strand). VCF-style: chr8-116847679-T-C. GRCh37 (hg19) VCF-style: chr8-117859918-T-C.
Other names: short protein forms K573E.
Identifiers: ClinVar variation 3660488 (VCV003660488.3).
Genomic context (GRCh38, chr8:116,847,679, plus strand): 5'-CTTGTTTTCTGTTCGTATTTCGACATAACTCAAGCAAACTGATAGATTCAGCTCCAGTTT[T>C]AGCAAGAGCACGCTGAAATAAAACCAAAAAAGGGTAACTTAATCTGTATAATAAAGTAGT-3'
Protein context (NP_006256.1, residues 563-583): MLHGLQRALA[Lys573Glu]TGAESISLLE